The following is an entry in ClinVar:

NM_001458.5(FLNC):c.3964+1G>T

Gene: FLNC (filamin C; plus strand). Cytogenetic location: 7q32.1.
Variant type: single nucleotide variant.
Coding change: c.3964+1G>T on transcript NM_001458.5 (MANE Select); the canonical splice donor site of the intron after coding-DNA position 3964, G replaced by T.
Molecular consequence: splice donor variant.
Genome position (GRCh38, 1-based): chr7:128,846,164, G>T. VCF-style: chr7-128846164-G-T. GRCh37 (hg19) VCF-style: chr7-128486218-G-T.
Other names: c.3964+1G>T (NM_001127487.2).
Identifiers: ClinVar variation 1477739 (VCV001477739.6), dbSNP rs1808557594, ClinGen allele CA369198828.

ClinVar aggregate classification (germline): Likely pathogenic (1 of 4 stars; one submission).

Conditions:
Myofibrillar myopathy 5. Also called: Filaminopathy (type); FILAMINOPATHY, AUTOSOMAL DOMINANT. Identifiers: Orphanet 171445, MedGen C1836050, MONDO:0012289, OMIM 609524.
Distal myopathy with posterior leg and anterior hand involvement. Also called: WILLIAMS DISTAL MYOPATHY. Identifiers: Orphanet 63273, MedGen C3279722, MONDO:0013550, OMIM 614065.
Hypertrophic cardiomyopathy 26. Also called: Cardiomyopathy, familial hypertrophic, 26. Identifiers: Orphanet 75249, MedGen C4310749, MONDO:0014883, OMIM 617047.

Allele frequency attached by ClinVar (database versions not stated): gnomAD exomes below 0.00001.
gnomAD v4.1: 1 of 1,614,082 alleles (0.000062%); highest among the groups gnomAD compares: Non-Finnish European, 0.000085%; no homozygotes.

Submission:

Labcorp Genetics (formerly Invitae), Labcorp
Classification: Likely pathogenic for Distal myopathy with posterior leg and anterior hand involvement; Myofibrillar myopathy 5; Hypertrophic cardiomyopathy 26. Last evaluated: 2022-08-09. Review status: criteria provided, single submitter. Criteria: Invitae Variant Classification Sherloc (09022015). Collection method: clinical testing. Allele origin: germline.
Comment: In summary, the currently available evidence indicates that the variant is pathogenic, but additional data are needed to prove that conclusively. Therefore, this variant has been classified as Likely Pathogenic. Algorithms developed to predict the effect of sequence changes on RNA splicing suggest that this variant may disrupt the consensus splice site. ClinVar contains an entry for this variant (Variation ID: 1477739). This variant has not been reported in the literature in individuals affected with FLNC-related conditions. This variant is not present in population databases (gnomAD no frequency). This sequence change affects a donor splice site in intron 22 of the FLNC gene. It is expected to disrupt RNA splicing. Variants that disrupt the donor or acceptor splice site typically lead to a loss of protein function (PMID: 16199547), and loss-of-function variants in FLNC are known to be pathogenic (PMID: 27908349).

Literature cited by the submitters: PubMed 16199547; PubMed 27908349.